The following is an entry in ClinVar:

ClinVar aggregate classification (germline): Benign/Likely benign. Review status: criteria provided, multiple submitters, no conflicts (2 of 4 stars). 6 submissions from 6 submitters: Benign (2); Likely benign (4). Last evaluated 2026-01-27.

Conditions:
Collagen 6-related myopathy. Identifiers: MedGen CN117976, MONDO:0100225.
Bethlem myopathy 1A. Also called: Bethlem myopathy 1; Bethlem Muscular Dystrophy; MYOPATHY, BENIGN CONGENITAL, WITH CONTRACTURES. Identifiers: Orphanet 610, MedGen CN029274, MONDO:0024530, OMIM 158810.

Allele frequency attached by ClinVar (database versions not stated): gnomAD 0.00007 and 0.00011; TOPMed 0.00007; ESP Exome Variant Server 0.00008; 1000 Genomes Project 30x 0.00031; 1000 Genomes Project 0.00040.
gnomAD v4.1: 416 of 1,609,166 alleles (0.026%); highest among the groups gnomAD compares: South Asian, 0.31%; 3 homozygotes.

Submissions (6):

Labcorp Genetics (formerly Invitae), Labcorp
Classification: Benign for Bethlem myopathy 1A. Last evaluated: 2026-01-27. Review status: criteria provided, single submitter. Criteria: Invitae Variant Classification Sherloc (09022015). Collection method: clinical testing. Allele origin: germline.

Mayo Clinic Laboratories, Mayo Clinic
Classification: Likely benign. Last evaluated: 2025-01-20. Review status: criteria provided, single submitter. Criteria: ACMG Guidelines, 2015. Collection method: clinical testing. Allele origin: germline. Observed: 1 variant allele.
Comment: BS1, BP4, BP7

CeGaT Center for Human Genetics Tuebingen
Classification: Likely benign. Last evaluated: 2024-06-01. Review status: criteria provided, single submitter. Criteria: CeGaT Center For Human Genetics Tuebingen Variant Classification Criteria Version 2. Collection method: clinical testing. Allele origin: germline. Affected: yes. Observed: 1 variant allele.
Comment: COL6A2: BP4, BP7

GeneDx
Classification: Likely benign. Last evaluated: 2017-11-27. Review status: criteria provided, single submitter. Criteria: GeneDx Variant Classification (06012015). Collection method: clinical testing. Allele origin: germline. Affected: yes.
Comment: This variant is considered likely benign or benign based on one or more of the following criteria: it is a conservative change, it occurs at a poorly conserved position in the protein, it is predicted to be benign by multiple in silico algorithms, and/or has population frequency not consistent with disease.

Illumina Laboratory Services, Illumina
Classification: Benign for Collagen VI-related myopathy. Last evaluated: 2017-04-28. Review status: criteria provided, single submitter. Criteria: ICSL Variant Classification Criteria 13 December 2019. Collection method: clinical testing. Allele origin: germline.
Comment: This variant was observed as part of a predisposition screen in an ostensibly healthy population. A literature search was performed for the gene, cDNA change, and amino acid change (where applicable). Publications were found based on this search. The evidence from the literature, in combination with allele frequency data from public databases where available, was sufficient to rule this variant out of causing disease. Therefore, this variant is classified as benign.

Eurofins Ntd Llc (ga)
Classification: Likely benign. Last evaluated: 2016-10-05. Review status: criteria provided, single submitter. Criteria: EGL Classification Definitions 2015. Collection method: clinical testing. Allele origin: germline. Observed: 3 variant alleles, 3 heterozygotes.

Literature cited by the submitters: PubMed 18825676 (cited by Illumina Laboratory Services, Illumina).

NM_001849.4(COL6A2):c.2880G>A (p.Ser960=)

Gene: COL6A2 (collagen type VI alpha 2 chain; plus strand). Cytogenetic location: 21q22.3.
Variant type: single nucleotide variant.
Coding change: c.2880G>A on transcript NM_001849.4 (MANE Select); coding-DNA position 2880, G replaced by A.
Protein change: p.Ser960=; no amino-acid change (serine 960 retained).
Molecular consequence: synonymous variant.
Genome position (GRCh38, 1-based): chr21:46,132,372, G>A. VCF-style: chr21-46132372-G-A. GRCh37 (hg19) VCF-style: chr21-47552286-G-A.
Other names: p.Ser960=.
Identifiers: ClinVar variation 290195 (VCV000290195.38), dbSNP rs375430758, ClinGen allele CA10073074.